The following is an entry in ClinVar:

NM_032188.3(KAT8):c.716A>G (p.Glu239Gly)

Gene: KAT8 (lysine acetyltransferase 8; plus strand). Cytogenetic location: 16p11.2.
Variant type: single nucleotide variant.
Coding change: c.716A>G on transcript NM_032188.3 (MANE Select); coding-DNA position 716, A replaced by G.
Protein change: p.Glu239Gly; replaces glutamic acid 239 with glycine.
Molecular consequence: missense variant.
Genome position (GRCh38, 1-based): chr16:31,128,084, A>G. VCF-style: chr16-31128084-A-G. GRCh37 (hg19) VCF-style: chr16-31139405-A-G.
Other names: c.716A>G, p.Glu239Gly (NM_182958.4); short protein forms E239G.
Identifiers: ClinVar variation 4856252 (VCV004856252.1).
Genomic context (GRCh38, chr16:31,128,084, plus strand): 5'-GAACCTGTTCTCTTGTCCCCGACCAGGGTCAGTGCCAGTGGCGGCAGCCCCCCGGGAAAG[A>G]GATCTACCGCAAGAGCAACATCTCCGTGTACGAAGTTGATGGCAAAGACCATAAGGTGAG-3'
Protein context (NP_115564.2, residues 229-249): QCQWRQPPGK[Glu239Gly]IYRKSNISVY

ClinVar aggregate classification (germline): Uncertain significance (1 of 4 stars; one submission).

Conditions:
Li-Ghorbani-Weisz-Hubshman syndrome. Identifiers: MedGen C5436525, MONDO:0033547, OMIM 618974.

Submission:

3billion
Classification: Uncertain significance for Li-Ghorbani-Weisz-Hubshman syndrome. Last evaluated: 2025-10-06. Review status: criteria provided, single submitter. Criteria: ACMG Guidelines, 2015. Collection method: clinical testing. Allele origin: germline. Affected: yes.
Comment: The variant is not observed in the gnomAD v4.1.0 dataset. Predicted Consequence/Location: Missense variant. Missense changes are a common disease-causing mechanism. In silico tool predictions suggest damaging effect of the variant on gene or gene product [REVEL: 0.95 (>=0.6, sensitivity 0.68 and specificity 0.92); 3Cnet: 0.99 (> 0.75, sensitivity 0.96 and precision 0.92)]. Different missense changes at the same codon have been reported as of uncertain significance (ClinVar ID: VCV003766203). Therefore, this variant is classified as VUS according to the recommendation of ACMG/AMP guideline.